The following is an entry in ClinVar:

ClinVar aggregate classification (germline): Uncertain significance (1 of 4 stars; one submission).

Conditions:
Familial cancer of breast. Also called: Hereditary breast cancer; BREAST CANCER, FAMILIAL; hereditary breast carcinoma. Identifiers: Orphanet 227535, MedGen C0346153, MONDO:0016419, OMIM 114480. Disease mechanism: loss of function.

Submission:

Labcorp Genetics (formerly Invitae), Labcorp
Classification: Uncertain significance for Familial cancer of breast. Last evaluated: 2022-02-05. Review status: criteria provided, single submitter. Criteria: Invitae Variant Classification Sherloc (09022015). Collection method: clinical testing. Allele origin: germline.
Comment: In summary, the available evidence is currently insufficient to determine the role of this variant in disease. Therefore, it has been classified as a Variant of Uncertain Significance. Algorithms developed to predict the effect of missense changes on protein structure and function are either unavailable or do not agree on the potential impact of this missense change (SIFT: "Deleterious"; PolyPhen-2: "Probably Damaging"; Align-GVGD: "Class C15"). This variant has not been reported in the literature in individuals affected with PALB2-related conditions. This variant is not present in population databases (gnomAD no frequency). This sequence change replaces isoleucine, which is neutral and non-polar, with threonine, which is neutral and polar, at codon 1139 of the PALB2 protein (p.Ile1139Thr).

NM_024675.4(PALB2):c.3416T>C (p.Ile1139Thr)

Gene: PALB2 (partner and localizer of BRCA2; minus strand). Cytogenetic location: 16p12.2.
Variant type: single nucleotide variant.
Coding change: c.3416T>C on transcript NM_024675.4 (MANE Select); coding-DNA position 3416, T replaced by C.
Protein change: p.Ile1139Thr; replaces isoleucine 1139 with threonine.
Molecular consequence: missense variant.
Genome position (GRCh38, 1-based): chr16:23,603,604, A>G on the plus strand (T>C on the coding strand, the complement: PALB2 is on the minus strand). VCF-style: chr16-23603604-A-G. GRCh37 (hg19) VCF-style: chr16-23614925-A-G.
Other names: c.3356T>C, p.Ile1119Thr (NM_001407296.1); c.3344T>C, p.Ile1115Thr (NM_001407297.1); c.3254T>C, p.Ile1085Thr (NM_001407298.1); c.3179T>C, p.Ile1060Thr (NM_001407299.1); c.3137T>C, p.Ile1046Thr (NM_001407300.1); c.*51T>C (NM_001407301.1, NM_001407302.1, NM_001407310.1 and 2 more transcripts); c.2531T>C, p.Ile844Thr (NM_001407304.1, NM_001407305.1, NM_001407306.1); c.2369T>C, p.Ile790Thr (NM_001407307.1); and 3 more; short protein forms I790T, I1115T, I1119T, I1139T, I844T, I1046T, I1060T, I1085T.
Identifiers: ClinVar variation 2093470 (VCV002093470.4), dbSNP rs2142254321, ClinGen allele CA395138217.
Genomic context (GRCh38, chr16:23,603,604, plus strand): 5'-CAATGTTGGTCAGAGACAGGTGGGAGGAGGGCAGTACACTGACCGAGAAGTAAGTCCCAA[A>G]TGGCAATTGTTCCAGAAGTCAAGATTGCTGCTGCACAGTGATCTTTCACGTCACCTTCCA-3'
Protein context (NP_078951.2, residues 1129-1149): AAILTSGTIA[Ile1139Thr]WDLLLGQCTA